The following is an entry in ClinVar:

NM_020549.5(CHAT):c.1699G>A (p.Val567Met)

Gene: CHAT (choline O-acetyltransferase; plus strand). Cytogenetic location: 10q11.23.
Variant type: single nucleotide variant.
Coding change: c.1699G>A on transcript NM_020549.5 (MANE Select); coding-DNA position 1699, G replaced by A.
Protein change: p.Val567Met; replaces valine 567 with methionine.
Molecular consequence: missense variant.
Genome position (GRCh38, 1-based): chr10:49,655,159, G>A. VCF-style: chr10-49655159-G-A. GRCh37 (hg19) VCF-style: chr10-50863205-G-A.
Other names: c.1345G>A, p.Val449Met (NM_001142929.2, NM_001142934.2, NM_020984.4 and 2 more transcripts); c.1453G>A, p.Val485Met (NM_001142933.2); short protein forms V449M, V485M, V567M.
Identifiers: ClinVar variation 1988713 (VCV001988713.1), dbSNP rs764077878, ClinGen allele CA5497598.
Genomic context (GRCh38, chr10:49,655,159, plus strand): 5'-CATCGAAGACTGGTGCCCACCTACGAGAGCGCGTCCATCCGCCGATTCCAGGAGGGACGC[G>A]TGGACAACATCAGATCGGCCACTCCAGAGGCACTGGCTTTTGTGAGAGCCGTGACTGACC-3'
Protein context (NP_065574.4, residues 557-577): ASIRRFQEGR[Val567Met]DNIRSATPEA

ClinVar aggregate classification (germline): Uncertain significance (1 of 4 stars; one submission).

Conditions:
Familial infantile myasthenia (CMS6). Also called: Congenital myasthenic syndrome type 6; MYASTHENIC SYNDROME, PRESYNAPTIC, CONGENITAL, ASSOCIATED WITH EPISODIC APNEA; MYASTHENIC SYNDROME, CONGENITAL, 6, PRESYNAPTIC. Identifiers: Orphanet 590, MedGen C0393929, MONDO:0009689, OMIM 254210.

Allele frequency attached by ClinVar (database versions not stated): ExAC 0.00001; gnomAD 0.00001; gnomAD exomes 0.00001; TOPMed 0.00003.

Submission:

Labcorp Genetics (formerly Invitae), Labcorp
Classification: Uncertain significance for Familial infantile myasthenia. Last evaluated: 2022-05-27. Review status: criteria provided, single submitter. Criteria: Invitae Variant Classification Sherloc (09022015). Collection method: clinical testing. Allele origin: germline.
Comment: This sequence change replaces valine, which is neutral and non-polar, with methionine, which is neutral and non-polar, at codon 567 of the CHAT protein (p.Val567Met). The frequency data for this variant in the population databases is considered unreliable, as metrics indicate poor data quality at this position in the gnomAD database. This variant has not been reported in the literature in individuals affected with CHAT-related conditions. Advanced modeling of protein sequence and biophysical properties (such as structural, functional, and spatial information, amino acid conservation, physicochemical variation, residue mobility, and thermodynamic stability) performed at Invitae indicates that this missense variant is expected to disrupt CHAT protein function. In summary, the available evidence is currently insufficient to determine the role of this variant in disease. Therefore, it has been classified as a Variant of Uncertain Significance.